The following is an entry in ClinVar:

NM_005515.4(MNX1):c.1022A>G (p.Asp341Gly)

Gene: MNX1 (motor neuron and pancreas homeobox 1; minus strand). Cytogenetic location: 7q36.3.
Variant type: single nucleotide variant.
Coding change: c.1022A>G on transcript NM_005515.4 (MANE Select); coding-DNA position 1022, A replaced by G.
Protein change: p.Asp341Gly; replaces aspartic acid 341 with glycine.
Molecular consequence: missense variant.
Genome position (GRCh38, 1-based): chr7:157,005,704, T>C on the plus strand (A>G on the coding strand, the complement: MNX1 is on the minus strand). VCF-style: chr7-157005704-T-C. GRCh37 (hg19) VCF-style: chr7-156798398-T-C.
Other names: c.1022A>G (NM_005515.3); c.386A>G, p.Asp129Gly (NM_001165255.2); short protein forms D129G, D341G.
Identifiers: ClinVar variation 1907486 (VCV001907486.6), dbSNP rs1177224318, ClinGen allele CA370161606.

ClinVar aggregate classification (germline): Uncertain significance. Review status: criteria provided, multiple submitters, no conflicts (2 of 4 stars). 2 submissions from 2 submitters: Uncertain significance (2). Last evaluated 2025-08-05.

Conditions:
Inborn genetic diseases. Identifiers: MedGen C0950123, MeSH D030342.

Allele frequency attached by ClinVar (database versions not stated): gnomAD 0.00001; TOPMed 0.00001; gnomAD exomes 0.00003.
gnomAD v4.1: 49 of 1,610,352 alleles (0.003%); highest among the groups gnomAD compares: Non-Finnish European, 0.0042%; no homozygotes.

Submissions (2):

Ambry Genetics
Classification: Uncertain significance for Inborn genetic diseases. Last evaluated: 2025-08-05. Review status: criteria provided, single submitter. Criteria: Ambry Variant Classification Scheme 2023. Collection method: clinical testing. Allele origin: germline.

Labcorp Genetics (formerly Invitae), Labcorp
Classification: Uncertain significance. Last evaluated: 2025-01-27. Review status: criteria provided, single submitter. Criteria: Invitae Variant Classification Sherloc (09022015). Collection method: clinical testing. Allele origin: germline.
Comment: This sequence change replaces aspartic acid, which is acidic and polar, with glycine, which is neutral and non-polar, at codon 341 of the MNX1 protein (p.Asp341Gly). This variant is not present in population databases (gnomAD no frequency). This variant has not been reported in the literature in individuals affected with MNX1-related conditions. This missense change has been observed in at least one individual who was not affected with MNX1-related conditions (internal data). ClinVar contains an entry for this variant (Variation ID: 1907486). An algorithm developed to predict the effect of missense changes on protein structure and function (PolyPhen-2) suggests that this variant is likely to be disruptive. In summary, the available evidence is currently insufficient to determine the role of this variant in disease. Therefore, it has been classified as a Variant of Uncertain Significance.